The following is an entry in ClinVar:

NM_000257.4(MYH7):c.4372C>G (p.Gln1458Glu)

Genes: MHRT (myosin heavy chain associated RNA transcript; plus strand), MYH7 (myosin heavy chain 7; minus strand). Cytogenetic location: 14q11.2.
Variant type: single nucleotide variant.
Coding change: c.4372C>G on transcript NM_000257.4 (MANE Select); coding-DNA position 4372, C replaced by G.
Protein change: p.Gln1458Glu; replaces glutamine 1458 with glutamic acid.
Molecular consequence: missense variant. On other transcripts: non-coding transcript variant (1).
Genome position (GRCh38, 1-based): chr14:23,417,300, G>C on the plus strand (C>G on the coding strand, the complement: MYH7 is on the minus strand). VCF-style: chr14-23417300-G-C. GRCh37 (hg19) VCF-style: chr14-23886509-G-C.
Other names: c.4372C>G, p.Gln1458Glu (NM_001407004.1); short protein forms Q1458E.
Identifiers: ClinVar variation 2051795 (VCV002051795.4), dbSNP rs190577943, ClinGen allele CA042063.

ClinVar aggregate classification (germline): Uncertain significance (1 of 4 stars; one submission).

Conditions:
Hypertrophic cardiomyopathy. Also called: HYPERTROPHIC MYOCARDIOPATHY. Identifiers: Orphanet 217569, MedGen C0007194, MeSH D002312, MONDO:0005045, HP:0001639.

Allele frequency attached by ClinVar (database versions not stated): ExAC 0.00001; gnomAD 0.00001; 1000 Genomes Project 30x 0.00016; 1000 Genomes Project 0.00020.

Submission:

Labcorp Genetics (formerly Invitae), Labcorp
Classification: Uncertain significance for Hypertrophic cardiomyopathy. Last evaluated: 2021-12-21. Review status: criteria provided, single submitter. Criteria: Invitae Variant Classification Sherloc (09022015). Collection method: clinical testing. Allele origin: germline.
Comment: This variant has not been reported in the literature in individuals affected with MYH7-related conditions. This sequence change replaces glutamine, which is neutral and polar, with glutamic acid, which is acidic and polar, at codon 1458 of the MYH7 protein (p.Gln1458Glu). This variant is present in population databases (rs190577943, gnomAD 0.0009%). Algorithms developed to predict the effect of missense changes on protein structure and function are either unavailable or do not agree on the potential impact of this missense change (SIFT: "Deleterious"; PolyPhen-2: "Probably Damaging"; Align-GVGD: "Class C0"). In summary, the available evidence is currently insufficient to determine the role of this variant in disease. Therefore, it has been classified as a Variant of Uncertain Significance.